The following is an entry in ClinVar:

ClinVar aggregate classification (germline): Uncertain significance (1 of 4 stars; one submission).

Conditions:
Hereditary cancer-predisposing syndrome. Also called: Neoplastic Syndromes, Hereditary; Tumor predisposition; Hereditary Cancer Syndrome; Hereditary neoplastic syndrome. Identifiers: Orphanet 140162, MedGen C0027672, MeSH D009386, MONDO:0015356.

Submission:

Ambry Genetics
Classification: Uncertain significance for Hereditary cancer-predisposing syndrome. Last evaluated: 2024-10-08. Review status: criteria provided, single submitter. Criteria: Ambry Variant Classification Scheme 2023. Collection method: clinical testing. Allele origin: germline.
Comment: The p.W2504L variant (also known as c.7511G>T), located in coding exon 15 of the APC gene, results from a G to T substitution at nucleotide position 7511. The tryptophan at codon 2504 is replaced by leucine, an amino acid with similar properties. This amino acid position is conserved. In addition, in silico predictors for this gene do not accurately predict pathogenicity. Based on the available evidence, the clinical significance of this variant remains unclear.

NM_000038.6(APC):c.7511G>T (p.Trp2504Leu)

Gene: APC (APC regulator of Wnt signaling pathway; plus strand). Cytogenetic location: 5q22.2.
Variant type: single nucleotide variant.
Coding change: c.7511G>T on transcript NM_000038.6 (MANE Select); coding-DNA position 7511, G replaced by T.
Protein change: p.Trp2504Leu; replaces tryptophan 2504 with leucine.
Molecular consequence: missense variant. On other transcripts: non-coding transcript variant (2).
Genome position (GRCh38, 1-based): chr5:112,843,105, G>T. VCF-style: chr5-112843105-G-T. GRCh37 (hg19) VCF-style: chr5-112178802-G-T.
Other names: c.7436G>T, p.Trp2479Leu (NM_001354898.2); c.7427G>T, p.Trp2476Leu (NM_001354899.2); c.7388G>T, p.Trp2463Leu (NM_001354900.2); c.7334G>T, p.Trp2445Leu (NM_001354901.2, NM_001407453.1); c.7238G>T, p.Trp2413Leu (NM_001354902.2); c.7031G>T, p.Trp2344Leu (NM_001354905.2); c.6662G>T, p.Trp2221Leu (NM_001354906.2, NM_001407470.1); c.7595G>T, p.Trp2532Leu (NM_001407446.1); and 11 more; short protein forms W2403L, W2463L, W2514L, W2522L, W2375L, W2378L, W2532L, W2120L.
Identifiers: ClinVar variation 3411562 (VCV003411562.1).
Genomic context (GRCh38, chr5:112,843,105, plus strand): 5'-TAAGTCCTTCCCTTCCTGATATGTCTCTATCCACACATTCGTCTGTTCAGGCTGGTGGAT[G>T]GCGAAAACTCCCACCTAATCTCAGTCCCACTATAGAGTATAATGATGGAAGACCAGCAAA-3'
Protein context (NP_000029.2, residues 2494-2514): STHSSVQAGG[Trp2504Leu]RKLPPNLSPT